The following is an entry in ClinVar:

ClinVar aggregate classification (germline): Uncertain significance (1 of 4 stars; one submission).

Conditions:
Charcot-Marie-Tooth disease type 4. Also called: Charcot-Marie-Tooth disease, type IV; Charcot-Marie-Tooth, Type 4. Identifiers: Orphanet 64749, MedGen C4082197, MONDO:0018995.

gnomAD v4.1: 1 of 1,614,038 alleles (0.000062%); highest among the groups gnomAD compares: Non-Finnish European, 0.000085%; no homozygotes.

Submission:

Labcorp Genetics (formerly Invitae), Labcorp
Classification: Uncertain significance for Charcot-Marie-Tooth disease type 4. Last evaluated: 2022-03-05. Review status: criteria provided, single submitter. Criteria: Invitae Variant Classification Sherloc (09022015). Collection method: clinical testing. Allele origin: germline.
Comment: In summary, the available evidence is currently insufficient to determine the role of this variant in disease. Therefore, it has been classified as a Variant of Uncertain Significance. Algorithms developed to predict the effect of missense changes on protein structure and function are either unavailable or do not agree on the potential impact of this missense change (SIFT: "Deleterious"; PolyPhen-2: "Possibly Damaging"; Align-GVGD: "Class C0"). This variant has not been reported in the literature in individuals affected with FIG4-related conditions. This variant is not present in population databases (gnomAD no frequency). This sequence change replaces aspartic acid, which is acidic and polar, with asparagine, which is neutral and polar, at codon 894 of the FIG4 protein (p.Asp894Asn).

NM_014845.6(FIG4):c.2680G>A (p.Asp894Asn)

Gene: FIG4 (FIG4 phosphoinositide 5-phosphatase; plus strand). Cytogenetic location: 6q21.
Variant type: single nucleotide variant.
Coding change: c.2680G>A on transcript NM_014845.6 (MANE Select); coding-DNA position 2680, G replaced by A.
Protein change: p.Asp894Asn; replaces aspartic acid 894 with asparagine.
Molecular consequence: missense variant.
Genome position (GRCh38, 1-based): chr6:109,825,221, G>A. VCF-style: chr6-109825221-G-A. GRCh37 (hg19) VCF-style: chr6-110146424-G-A.
Other names: short protein forms D894N.
Identifiers: ClinVar variation 2107048 (VCV002107048.4), dbSNP rs776183609, ClinGen allele CA365225410.